The following is an entry in ClinVar:

NM_000550.3(TYRP1):c.286A>T (p.Asn96Tyr)

Gene: TYRP1 (tyrosinase related protein 1; plus strand). Cytogenetic location: 9p23.
Variant type: single nucleotide variant.
Coding change: c.286A>T on transcript NM_000550.3 (MANE Select); coding-DNA position 286, A replaced by T.
Protein change: p.Asn96Tyr; replaces asparagine 96 with tyrosine.
Molecular consequence: missense variant.
Genome position (GRCh38, 1-based): chr9:12,694,282, A>T. VCF-style: chr9-12694282-A-T. GRCh37 (hg19) VCF-style: chr9-12694282-A-T.
Other names: short protein forms N96Y.
Identifiers: ClinVar variation 1485966 (VCV001485966.5), dbSNP rs143004036, ClinGen allele CA189305072.

ClinVar aggregate classification (germline): Uncertain significance (1 of 4 stars; one submission).

Allele frequency attached by ClinVar (database versions not stated): gnomAD exomes below 0.00001; gnomAD 0.00002; TOPMed 0.00002; ESP Exome Variant Server 0.00008.

Submission:

Labcorp Genetics (formerly Invitae), Labcorp
Classification: Uncertain significance. Last evaluated: 2021-08-20. Review status: criteria provided, single submitter. Criteria: Invitae Variant Classification Sherloc (09022015). Collection method: clinical testing. Allele origin: germline.
Comment: This sequence change replaces asparagine with tyrosine at codon 96 of the TYRP1 protein (p.Asn96Tyr). The asparagine residue is highly conserved and there is a large physicochemical difference between asparagine and tyrosine. This variant is not present in population databases (ExAC no frequency). This variant has not been reported in the literature in individuals affected with TYRP1-related conditions. Algorithms developed to predict the effect of missense changes on protein structure and function are either unavailable or do not agree on the potential impact of this missense change (SIFT: "Deleterious"; PolyPhen-2: "Possibly Damaging"; Align-GVGD: "Class C0"). In summary, the available evidence is currently insufficient to determine the role of this variant in disease. Therefore, it has been classified as a Variant of Uncertain Significance.